The following is an entry in ClinVar:

ClinVar aggregate classification (germline): Likely benign (1 of 4 stars; one submission).

gnomAD v4.1: 3,758 of 1,534,260 alleles (0.24%); highest among the groups gnomAD compares: Non-Finnish European, 0.29%; 13 homozygotes.

Submission:

CeGaT Center for Human Genetics Tuebingen
Classification: Likely benign. Last evaluated: 2026-06-01. Review status: criteria provided, single submitter. Criteria: CeGaT Center For Human Genetics Tuebingen Variant Classification Criteria Version 2. Collection method: clinical testing. Allele origin: germline. Affected: yes. Observed: 5 variant alleles.
Comment: INTS11: BP4, BP7, BS2

NM_017871.6(INTS11):c.1587C>T (p.Arg529=)

Gene: INTS11 (integrator complex subunit 11; minus strand). Cytogenetic location: 1p36.33.
Variant type: single nucleotide variant.
Coding change: c.1587C>T on transcript NM_017871.6 (MANE Select); coding-DNA position 1587, C replaced by T.
Protein change: p.Arg529=; no amino-acid change (arginine 529 retained).
Molecular consequence: synonymous variant.
Genome position (GRCh38, 1-based): chr1:1,312,246, G>A on the plus strand (C>T on the coding strand, the complement: INTS11 is on the minus strand). VCF-style: chr1-1312246-G-A. GRCh37 (hg19) VCF-style: chr1-1247626-G-A.
Other names: c.1605C>T, p.Arg535= (NM_001256456.2); c.1500C>T, p.Arg500= (NM_001256460.2); c.1293C>T, p.Arg431= (NM_001256462.2); c.1284C>T, p.Arg428= (NM_001256463.2).
Identifiers: ClinVar variation 3770602 (VCV003770602.13).